The following is an entry in ClinVar:

ClinVar aggregate classification (germline): Uncertain significance (1 of 4 stars; one submission).

Submission:

Labcorp Genetics (formerly Invitae), Labcorp
Classification: Uncertain significance. Last evaluated: 2025-09-11. Review status: criteria provided, single submitter. Criteria: Invitae Variant Classification Sherloc (09022015). Collection method: clinical testing. Allele origin: germline.
Comment: This sequence change replaces cysteine, which is neutral and slightly polar, with serine, which is neutral and polar, at codon 689 of the NCSTN protein (p.Cys689Ser). This variant is not present in population databases (gnomAD no frequency). This variant has not been reported in the literature in individuals affected with NCSTN-related conditions. Invitae Evidence Modeling of protein sequence and biophysical properties (such as structural, functional, and spatial information, amino acid conservation, physicochemical variation, residue mobility, and thermodynamic stability) indicates that this missense variant is not expected to disrupt NCSTN protein function with a negative predictive value of 80%. In summary, the available evidence is currently insufficient to determine the role of this variant in disease. Therefore, it has been classified as a Variant of Uncertain Significance.

NM_015331.3(NCSTN):c.2065T>A (p.Cys689Ser)

Gene: NCSTN (nicastrin; plus strand). Cytogenetic location: 1q23.2.
Variant type: single nucleotide variant.
Coding change: c.2065T>A on transcript NM_015331.3 (MANE Select); coding-DNA position 2065, T replaced by A.
Protein change: p.Cys689Ser; replaces cysteine 689 with serine.
Molecular consequence: missense variant.
Genome position (GRCh38, 1-based): chr1:160,358,206, T>A. VCF-style: chr1-160358206-T-A. GRCh37 (hg19) VCF-style: chr1-160327996-T-A.
Other names: c.2005T>A, p.Cys669Ser (NM_001290184.2); c.1651T>A, p.Cys551Ser (NM_001290186.2); c.1852T>A, p.Cys618Ser (NM_001349729.2); short protein forms C551S, C618S, C689S, C669S.
Identifiers: ClinVar variation 4736773 (VCV004736773.1).